The following is an entry in ClinVar:

ClinVar aggregate classification (germline): Uncertain significance (1 of 4 stars; one submission).

Conditions:
Primary dilated cardiomyopathy (DCM). Also called: Dilated Cardiomyopathy. Identifiers: Orphanet 217604, MedGen C0007193, MeSH D002311, MONDO:0005021, HP:0001644. Inheritance: Various modes of inheritance.

gnomAD v4.1: 3 of 1,612,198 alleles (0.00019%); highest among the groups gnomAD compares: Admixed American, 0.0017%; no homozygotes.

Submission:

Labcorp Genetics (formerly Invitae), Labcorp
Classification: Uncertain significance for Primary dilated cardiomyopathy. Last evaluated: 2025-05-27. Review status: criteria provided, single submitter. Criteria: Invitae Variant Classification Sherloc (09022015). Collection method: clinical testing. Allele origin: germline.
Comment: This sequence change replaces aspartic acid, which is acidic and polar, with glycine, which is neutral and non-polar, at codon 169 of the NEBL protein (p.Asp169Gly). This variant is present in population databases (rs776135394, gnomAD 0.003%). This variant has not been reported in the literature in individuals affected with NEBL-related conditions. An algorithm developed to predict the effect of missense changes on protein structure and function outputs the following: PolyPhen-2: "Benign". The glycine amino acid residue is found in multiple mammalian species, which suggests that this missense change does not adversely affect protein function. In summary, the available evidence is currently insufficient to determine the role of this variant in disease. Therefore, it has been classified as a Variant of Uncertain Significance.

NM_006393.3(NEBL):c.506A>G (p.Asp169Gly)

Gene: NEBL (nebulette; minus strand). Cytogenetic location: 10p12.31.
Variant type: single nucleotide variant.
Coding change: c.506A>G on transcript NM_006393.3 (MANE Select); coding-DNA position 506, A replaced by G.
Protein change: p.Asp169Gly; replaces aspartic acid 169 with glycine.
Molecular consequence: missense variant. On other transcripts: intron variant (9).
Genome position (GRCh38, 1-based): chr10:20,869,816, T>C on the plus strand (A>G on the coding strand, the complement: NEBL is on the minus strand). VCF-style: chr10-20869816-T-C. GRCh37 (hg19) VCF-style: chr10-21158745-T-C.
Other names: c.250-56876A>G (NM_001377326.1, NM_001377327.1, NM_001377328.1); c.358-56876A>G (NM_213569.2, NM_001173484.2, NM_001377322.1); c.301-56876A>G (NM_001377324.1); c.292-56876A>G (NM_001377325.1); c.310-56876A>G (NM_001377323.1); short protein forms D169G.
Identifiers: ClinVar variation 4781873 (VCV004781873.1).